The following is an entry in ClinVar:

NM_005732.4(RAD50):c.1097C>T (p.Ala366Val)

Gene: RAD50 (RAD50 double strand break repair protein; plus strand). Cytogenetic location: 5q31.1.
Variant type: single nucleotide variant.
Coding change: c.1097C>T on transcript NM_005732.4 (MANE Select); coding-DNA position 1097, C replaced by T.
Protein change: p.Ala366Val; replaces alanine 366 with valine.
Molecular consequence: missense variant.
Genome position (GRCh38, 1-based): chr5:132,588,732, C>T. VCF-style: chr5-132588732-C-T. GRCh37 (hg19) VCF-style: chr5-131924424-C-T.
Other names: short protein forms A366V.
Identifiers: ClinVar variation 3429488 (VCV003429488.1).

ClinVar aggregate classification (germline): Uncertain significance (1 of 4 stars; one submission).

Conditions:
Hereditary cancer-predisposing syndrome. Also called: Neoplastic Syndromes, Hereditary; Tumor predisposition; Hereditary Cancer Syndrome; Hereditary neoplastic syndrome. Identifiers: Orphanet 140162, MedGen C0027672, MeSH D009386, MONDO:0015356.

Submission:

Ambry Genetics
Classification: Uncertain significance for Hereditary cancer-predisposing syndrome. Last evaluated: 2024-08-19. Review status: criteria provided, single submitter. Criteria: Ambry Variant Classification Scheme 2023. Collection method: clinical testing. Allele origin: germline.
Comment: The p.A366V variant (also known as c.1097C>T), located in coding exon 8 of the RAD50 gene, results from a C to T substitution at nucleotide position 1097. The alanine at codon 366 is replaced by valine, an amino acid with similar properties. This amino acid position is conserved. In addition, this alteration is predicted to be tolerated by in silico analysis. Based on the available evidence, the clinical significance of this variant remains unclear.